The following is an entry in ClinVar:

ClinVar aggregate classification (germline): Uncertain significance. Review status: criteria provided, multiple submitters, no conflicts (2 of 4 stars). 2 submissions from 2 submitters: Uncertain significance (2). Last evaluated 2026-01-31.

Conditions:
Familial thoracic aortic aneurysm and aortic dissection (TAAD). Also called: Thoracic aortic aneurysms and dissections. Identifiers: Orphanet 91387, MedGen C4707243, MONDO:0019625.

Allele frequency attached by ClinVar (database versions not stated): TOPMed 0.00001; gnomAD exomes below 0.00001.
gnomAD v4.1: 1 of 1,614,058 alleles (0.000062%); highest among the groups gnomAD compares: Non-Finnish European, 0.000085%; no homozygotes.

Submissions (2):

GeneDx
Classification: Uncertain significance. Last evaluated: 2026-01-31. Review status: criteria provided, single submitter. Criteria: GeneDx Variant Classification Process June 2021. Collection method: clinical testing. Allele origin: germline.
Comment: Not observed at significant frequency in large population cohorts (gnomAD); In silico analysis supports that this missense variant has a deleterious effect on protein structure/function; Has not been previously published as pathogenic or benign to our knowledge

Labcorp Genetics (formerly Invitae), Labcorp
Classification: Uncertain significance for Familial thoracic aortic aneurysm and aortic dissection. Last evaluated: 2022-05-07. Review status: criteria provided, single submitter. Criteria: Invitae Variant Classification Sherloc (09022015). Collection method: clinical testing. Allele origin: germline.
Comment: In summary, the available evidence is currently insufficient to determine the role of this variant in disease. Therefore, it has been classified as a Variant of Uncertain Significance. Advanced modeling of protein sequence and biophysical properties (such as structural, functional, and spatial information, amino acid conservation, physicochemical variation, residue mobility, and thermodynamic stability) performed at Invitae indicates that this missense variant is not expected to disrupt TGFBR1 protein function. This variant has not been reported in the literature in individuals affected with TGFBR1-related conditions. This variant is not present in population databases (gnomAD no frequency). This sequence change replaces arginine, which is basic and polar, with glutamine, which is neutral and polar, at codon 225 of the TGFBR1 protein (p.Arg225Gln).

NM_004612.4(TGFBR1):c.674G>A (p.Arg225Gln)

Gene: TGFBR1 (transforming growth factor beta receptor 1; plus strand). Cytogenetic location: 9q22.33.
Variant type: single nucleotide variant.
Coding change: c.674G>A on transcript NM_004612.4 (MANE Select); coding-DNA position 674, G replaced by A.
Protein change: p.Arg225Gln; replaces arginine 225 with glutamine.
Molecular consequence: missense variant.
Genome position (GRCh38, 1-based): chr9:99,137,958, G>A. VCF-style: chr9-99137958-G-A. GRCh37 (hg19) VCF-style: chr9-101900240-G-A.
Other names: c.443G>A, p.Arg148Gln (NM_001130916.3); c.686G>A, p.Arg229Gln (NM_001306210.2, NM_001407416.1); c.674G>A, p.Arg225Gln (NM_001407417.1); c.479G>A, p.Arg160Gln (NM_001407418.1, NM_001407419.1, NM_001407420.1 and 1 more transcripts); c.467G>A, p.Arg156Gln (NM_001407423.1, NM_001407424.1, NM_001407425.1 and 8 more transcripts); c.428G>A, p.Arg143Gln (NM_001407436.1); c.197G>A, p.Arg66Gln (NM_001407438.1); c.674G>A (NM_004612.2); short protein forms R143Q, R160Q, R148Q, R156Q, R229Q, R66Q, R225Q.
Identifiers: ClinVar variation 1972734 (VCV001972734.6), dbSNP rs1827486816, ClinGen allele CA374229646.